The following is an entry in ClinVar:

NM_022124.6(CDH23):c.4405A>G (p.Ile1469Val)

Gene: CDH23 (cadherin related 23; plus strand). Cytogenetic location: 10q22.1.
Variant type: single nucleotide variant.
Coding change: c.4405A>G on transcript NM_022124.6 (MANE Select); coding-DNA position 4405, A replaced by G.
Protein change: p.Ile1469Val; replaces isoleucine 1469 with valine.
Molecular consequence: missense variant.
Genome position (GRCh38, 1-based): chr10:71,739,689, A>G. VCF-style: chr10-71739689-A-G. GRCh37 (hg19) VCF-style: chr10-73499446-A-G.
Other names: DFNB12; short protein forms I1469V.
Identifiers: ClinVar variation 179731 (VCV000179731.31), dbSNP rs200635365, ClinGen allele CA185013.

ClinVar aggregate classification (germline): Conflicting classifications of pathogenicity. Review status: criteria provided, conflicting classifications (1 of 4 stars). 15 submissions from 14 submitters: Pathogenic (1); Uncertain significance (9); Likely benign (1). 4 of the submissions do not count toward it. Last evaluated 2026-02-04.

Conditions:
Pituitary adenoma 5, multiple types. Identifiers: MedGen C4539685, MONDO:0054601, OMIM 617540.
Usher syndrome type 1D (USH1D). Also called: USHER SYNDROME, TYPE ID. Identifiers: Orphanet 231169, Orphanet 886, MedGen C1832845, MONDO:0010984, OMIM 601067.
Autosomal recessive nonsyndromic hearing loss 12. Also called: DEAFNESS, AUTOSOMAL RECESSIVE 12. Identifiers: Orphanet 90636, MedGen C1832394, MONDO:0011067, OMIM 601386.
Retinal dystrophy. Also called: Inherited retinal dystrophy. Identifiers: Orphanet 71862, MedGen C0854723, MeSH D058499, MONDO:0019118, HP:0000556.
Usher syndrome type 1 (USH1). Also called: RETINITIS PIGMENTOSA AND CONGENITAL DEAFNESS. Identifiers: Orphanet 231169, Orphanet 886, MedGen C1568247, MONDO:0010168, OMIM 276900.

Allele frequency attached by ClinVar (database versions not stated): gnomAD 0.00014 and 0.00021; TOPMed 0.00015; gnomAD exomes 0.00018 and 0.00030; ExAC 0.00038; 1000 Genomes Project 30x 0.00047; 1000 Genomes Project 0.00060.
gnomAD v4.1: 317 of 1,613,370 alleles (0.02%); highest among the groups gnomAD compares: Middle Eastern, 0.28%; no homozygotes.

Submissions (15):

Labcorp Genetics (formerly Invitae), Labcorp
Classification: Likely benign. Last evaluated: 2026-02-04. Review status: criteria provided, single submitter. Criteria: Invitae Variant Classification Sherloc (09022015). Collection method: clinical testing. Allele origin: germline.

Laboratory of Prof. Karen Avraham, Tel Aviv University
Classification: Pathogenic for Autosomal recessive nonsyndromic hearing loss 12. Last evaluated: 2025-12-31. Review status: criteria provided, single submitter. Criteria: ACMG Guidelines, 2015. Collection method: research. Allele origin: germline. Inheritance: Autosomal recessive inheritance. Affected: yes. Observed: 1 variant allele.
Comment: Two more affected individuals have been described in the literature (37734845, 26969326) carrying this variant in compound heterozygosity with a second variant. This variant was classified 'Pathogenic' by Deafness Variation Database.

Women's Health and Genetics/Laboratory Corporation of America, LabCorp
Classification: Uncertain significance. Last evaluated: 2024-11-07. Review status: criteria provided, single submitter. Criteria: LabCorp Variant Classification Summary - May 2015. Collection method: clinical testing. Allele origin: germline.
Comment: Variant summary: CDH23 c.4405A>G (p.Ile1469Val) results in a conservative amino acid change in the encoded protein sequence. Three of four in-silico tools predict a benign effect of the variant on protein function. The variant allele was found at a frequency of 0.0003 in 247542 control chromosomes, predominantly at a frequency of 0.0012 within the South Asian subpopulation in the gnomAD database. This frequency is somewhat lower than the estimated maximum for a pathogenic variant in CDH23 causing Usher Syndrome (0.0032), allowing no clear conclusions about variant significance. c.4405A>G has been reported in the literature in individuals affected with non-syndromic hearing loss (Sloan-Heggen_2016) and retinal disease (Weisschuh_2024). These reports do not provide unequivocal conclusions about association of the variant with Usher Syndrome. To our knowledge, no experimental evidence demonstrating an impact on protein function has been reported. The following publications have been ascertained in the context of this evaluation (PMID: 26969326, 37734845). ClinVar contains an entry for this variant (Variation ID: 179731). Based on the evidence outlined above, the variant was classified as uncertain significance.

Blueprint Genetics
Classification: Uncertain significance. Last evaluated: 2024-10-23. Review status: criteria provided, single submitter. Criteria: ACMG Guidelines, 2015. Collection method: clinical testing. Allele origin: germline.

Baylor Genetics
Classification: Uncertain significance for Pituitary adenoma 5, multiple types. Last evaluated: 2022-09-26. Review status: criteria provided, single submitter. Criteria: ACMG Guidelines, 2015. Collection method: clinical testing. Allele origin: unknown.

Laboratory for Molecular Medicine, Mass General Brigham Personalized Medicine
Classification: Uncertain significance. Last evaluated: 2022-06-23. Review status: criteria provided, single submitter. Criteria: ACMG Guidelines, 2015. Collection method: clinical testing. Allele origin: germline.
Comment: It has also been identified in 0.2% (11/4828) of South Asian and 0.029% (20/68030) of European chromosomes by gnomAD, v. 3. This variant has also been reported in ClinVar (Variation ID 179731). Computational prediction tools and conservation analyses suggest that the Ile1469Val variant may not impact the protein, though this information is not predictive enough to rule out pathogenicity. In summary, while the clinical significance of the Ile1469Val variant is uncertain, the computational data suggests that it is more likely to be benign. In summary, while the clinical significance of this variant is uncertain, these data suggest that it is more likely to be benign. ACMG/AMP Criteria applied: BP4, BS1_P.

Institute of Human Genetics, Univ. Regensburg, Univ. Regensburg
Classification: Uncertain significance for Retinal dystrophy. Last evaluated: 2022-01-01. Review status: criteria provided, single submitter. Criteria: ACMG Guidelines, 2015. Collection method: clinical testing. Allele origin: germline. Affected: yes.

Fulgent Genetics
Classification: Uncertain significance for Usher syndrome type 1D; Autosomal recessive nonsyndromic hearing loss 12; Pituitary adenoma 5, multiple types. Last evaluated: 2021-09-09. Review status: criteria provided, single submitter. Criteria: ACMG Guidelines, 2015. Collection method: clinical testing. Allele origin: unknown.

GeneDx
Classification: Uncertain significance. Last evaluated: 2020-10-09. Review status: criteria provided, single submitter. Criteria: GeneDx Variant Classification Process June 2021. Collection method: clinical testing. Allele origin: germline. Affected: yes.
Comment: In silico analysis supports that this missense variant does not alter protein structure/function; This variant is associated with the following publications: (PMID: 26969326)

Baylor Genetics
Classification: Uncertain significance for Autosomal recessive nonsyndromic hearing loss 12. Last evaluated: 2020-02-18. Review status: criteria provided, single submitter. Criteria: ACMG Guidelines, 2015. Collection method: clinical testing. Allele origin: unknown. Affected: yes.
Comment: This variant was determined to be of uncertain significance according to ACMG Guidelines, 2015 [PMID:25741868].

Illumina Laboratory Services, Illumina
Classification: Uncertain significance for Usher syndrome type 1D. Last evaluated: 2017-04-27. Review status: criteria provided, single submitter. Criteria: ICSL Variant Classification Criteria 13 December 2019. Collection method: clinical testing. Allele origin: germline.

Natera, Inc.
Classification: Uncertain significance for Usher syndrome type 1. Last evaluated: 2020-01-16. Review status: no assertion criteria provided. Collection method: clinical testing. Allele origin: germline. Not counted in ClinVar's aggregate classification.

Clinical Genetics DNA and cytogenetics Diagnostics Lab, Erasmus MC, Erasmus Medical Center
Classification: Uncertain significance. Review status: no assertion criteria provided. Collection method: clinical testing. Allele origin: germline. Affected: yes. Study: VKGL Data-share Consensus. Not counted in ClinVar's aggregate classification.

Clinical Genetics, Academic Medical Center
Classification: Uncertain significance. Review status: no assertion criteria provided. Collection method: clinical testing. Allele origin: germline. Affected: yes. Study: VKGL Data-share Consensus. Not counted in ClinVar's aggregate classification.

Joint Genome Diagnostic Labs from Nijmegen and Maastricht, Radboudumc and MUMC+
Classification: Uncertain significance. Review status: no assertion criteria provided. Collection method: clinical testing. Allele origin: germline. Affected: yes. Study: VKGL Data-share Consensus. Not counted in ClinVar's aggregate classification.

Literature cited by the submitters: PubMed 26969326 (cited by 3 submitters); PubMed 37734845 (cited by Laboratory of Prof. Karen Avraham, Tel Aviv University and Women's Health and Genetics/Laboratory Corporation of America, LabCorp); PubMed 3442652 (cited by Institute of Human Genetics, Univ. Regensburg, Univ. Regensburg).